The following is an entry in ClinVar:

NM_000642.3(AGL):c.2051C>T (p.Ala684Val)

Gene: AGL (amylo-alpha-1,6-glucosidase and 4-alpha-glucanotransferase; plus strand). Cytogenetic location: 1p21.2.
Variant type: single nucleotide variant.
Coding change: c.2051C>T on transcript NM_000642.3 (MANE Select); coding-DNA position 2051, C replaced by T.
Protein change: p.Ala684Val; replaces alanine 684 with valine.
Molecular consequence: missense variant.
Genome position (GRCh38, 1-based): chr1:99,881,341, C>T. VCF-style: chr1-99881341-C-T. GRCh37 (hg19) VCF-style: chr1-100346897-C-T.
Other names: c.2051C>T, p.Ala684Val (NM_000028.3, NM_000643.3, NM_000644.3 and 2 more transcripts); c.2003C>T, p.Ala668Val (NM_000646.3); c.1850C>T, p.Ala617Val (NM_001425327.1); c.1847C>T, p.Ala616Val (NM_001425328.1, NM_001425329.1); c.1673C>T, p.Ala558Val (NM_001425332.1); short protein forms A668V, A684V, A558V, A616V, A617V.
Identifiers: ClinVar variation 665912 (VCV000665912.9), dbSNP rs1284824337, ClinGen allele CA341318784.

ClinVar aggregate classification (germline): Uncertain significance. Review status: criteria provided, multiple submitters, no conflicts (2 of 4 stars). 3 submissions from 3 submitters: Uncertain significance (2). 1 of the submissions does not count toward it. Last evaluated 2024-03-28.

Conditions:
Glycogen storage disease type III (GSD3). Also called: FORBES DISEASE; Cori disease. Identifiers: Orphanet 366, MedGen C0017922, MONDO:0009291, OMIM 232400.

Allele frequency attached by ClinVar (database versions not stated): TOPMed below 0.00001; gnomAD 0.00001.
gnomAD v4.1: 7 of 1,614,014 alleles (0.00043%); highest among the groups gnomAD compares: East Asian, 0.0022%; no homozygotes.

Submissions (3):

Blueprint Genetics
Classification: Uncertain significance. Last evaluated: 2024-03-28. Review status: criteria provided, single submitter. Criteria: ACMG Guidelines, 2015. Collection method: clinical testing. Allele origin: germline.

Labcorp Genetics (formerly Invitae), Labcorp
Classification: Uncertain significance for Glycogen storage disease type III. Last evaluated: 2023-11-27. Review status: criteria provided, single submitter. Criteria: Invitae Variant Classification Sherloc (09022015). Collection method: clinical testing. Allele origin: germline.
Comment: This sequence change replaces alanine, which is neutral and non-polar, with valine, which is neutral and non-polar, at codon 684 of the AGL protein (p.Ala684Val). This variant is not present in population databases (gnomAD no frequency). This variant has not been reported in the literature in individuals affected with AGL-related conditions. ClinVar contains an entry for this variant (Variation ID: 665912). An algorithm developed to predict the effect of missense changes on protein structure and function (PolyPhen-2) suggests that this variant¬†is likely to be tolerated. In summary, the available evidence is currently insufficient to determine the role of this variant in disease. Therefore, it has been classified as a Variant of Uncertain Significance.

Natera, Inc.
Classification: Uncertain significance for Glycogen storage disease type III. Last evaluated: 2021-01-25. Review status: no assertion criteria provided. Collection method: clinical testing. Allele origin: germline. Not counted in ClinVar's aggregate classification.